The following is an entry in ClinVar:

GRCh38/hg38 22q11.21(chr22:18339130-21101267)x1

Genes: AIFM3 (AIF family member 3; plus strand), ARVCF (ARVCF delta catenin family member; minus strand), C22orf39 (chromosome 22 open reading frame 39; minus strand), CCDC188 (coiled-coil domain containing 188; minus strand), CDC45 (cell division cycle 45; plus strand) and 185 more. Cytogenetic location: 22q11.21.
Variant type: copy number loss.
Change: copy number 1 (one copy instead of two) of chr22:18,339,130-21,101,267 (2.76 Mb, GRCh38 coordinates, 1-based), cytogenetic band 22q11.21.
Identifiers: ClinVar variation 59211 (VCV000059211.2).

ClinVar aggregate classification (germline): Pathogenic (1 of 4 stars; one submission).

Submission:

ISCA Site 6
Classification: Pathogenic. Last evaluated: 2011-08-12. Review status: criteria provided, single submitter. Criteria: Kaminsky et al. (Genet Med. 2011). Collection method: clinical testing. Allele origin: de novo. Affected: yes. Observed: 1 variant allele.
Comment: Copy number variation identified through the course of routine clinical cytogenomic testing in postnatal populations. Clinical assertions have been curated as described in Kaminsky et al. 2011.